The following is an entry in ClinVar:

ClinVar aggregate classification (germline): Likely pathogenic (1 of 4 stars; one submission).

Conditions:
Hereditary hyperinsulinism.

gnomAD v4.1: 1 of 1,613,572 alleles (0.000062%); highest among the groups gnomAD compares: Non-Finnish European, 0.000085%; no homozygotes.

Submission:

Natera, Inc.
Classification: Likely pathogenic for Hereditary hyperinsulinism. Last evaluated: 2025-10-14. Review status: criteria provided, single submitter. Criteria: Natera Variant Classification Schema (03/2026). Collection method: clinical testing. Allele origin: germline.
Comment: The c.3975C>A variant in ABCC8 is a nonsense variant predicted to introduce a stop codon at amino acid 1325. This variant is expected to result in nonsense mediated decay, truncation, or a dysfunctional protein product. This variant is rare in the general population with a frequency below the threshold expected for the associated phenotype(s). Given the available evidence, this variant is classified as Likely Pathogenic.

NM_000352.6(ABCC8):c.3975C>A (p.Tyr1325Ter)

Gene: ABCC8 (ATP binding cassette subfamily C member 8; minus strand). Cytogenetic location: 11p15.1.
Variant type: single nucleotide variant.
Coding change: c.3975C>A on transcript NM_000352.6 (MANE Select); coding-DNA position 3975, C replaced by A.
Protein change: p.Tyr1325Ter; replaces tyrosine 1325 with a stop codon.
Molecular consequence: nonsense. On other transcripts: non-coding transcript variant (1).
Genome position (GRCh38, 1-based): chr11:17,397,206, G>T on the plus strand (C>A on the coding strand, the complement: ABCC8 is on the minus strand). VCF-style: chr11-17397206-G-T. GRCh37 (hg19) VCF-style: chr11-17418753-G-T.
Other names: c.3978C>A, p.Tyr1326Ter (NM_001287174.3); c.4041C>A, p.Tyr1347Ter (NM_001351295.2); c.3975C>A, p.Tyr1325Ter (NM_001351296.2); c.3972C>A, p.Tyr1324Ter (NM_001351297.2); short protein forms Y1324*, Y1325*, Y1326*, Y1347*.
Identifiers: ClinVar variation 4818254 (VCV004818254.1).